The following is an entry in ClinVar:

ClinVar aggregate classification (germline): Likely benign (1 of 4 stars; one submission).

Allele frequency attached by ClinVar (database versions not stated): gnomAD 0.00001 and 0.00013; TOPMed 0.00004; gnomAD exomes 0.00039 and 0.00046; ExAC 0.00055; 1000 Genomes Project 30x 0.00062; 1000 Genomes Project 0.00080.
gnomAD v4.1: 263 of 780,588 alleles (0.034%); highest among the groups gnomAD compares: South Asian, 0.28%; 5 homozygotes.

Submission:

CeGaT Center for Human Genetics Tuebingen
Classification: Likely benign. Last evaluated: 2022-09-01. Review status: criteria provided, single submitter. Criteria: CeGaT Center For Human Genetics Tuebingen Variant Classification Criteria Version 2. Collection method: clinical testing. Allele origin: germline. Affected: yes. Observed: 4 variant alleles.
Comment: C1R: BP4

NM_001733.7(C1R):c.704A>G (p.Lys235Arg)

Gene: C1R (complement C1r; minus strand). Cytogenetic location: 12p13.31.
Variant type: single nucleotide variant.
Coding change: c.704A>G on transcript NM_001733.7 (MANE Select); coding-DNA position 704, A replaced by G.
Protein change: p.Lys235Arg; replaces lysine 235 with arginine.
Molecular consequence: missense variant.
Genome position (GRCh38, 1-based): chr12:7,089,357, T>C on the plus strand (A>G on the coding strand, the complement: C1R is on the minus strand). VCF-style: chr12-7089357-T-C. GRCh37 (hg19) VCF-style: chr12-7241953-T-C.
Other names: c.746A>G, p.Lys249Arg (NM_001354346.2); short protein forms K235R, K249R.
Identifiers: ClinVar variation 1335096 (VCV001335096.35), dbSNP rs763297354, ClinGen allele CA6424152.